The following is an entry in ClinVar:

ClinVar aggregate classification (germline): Conflicting classifications of pathogenicity. Review status: criteria provided, conflicting classifications (1 of 4 stars). 5 submissions from 5 submitters: Uncertain significance (1); Benign (1); Likely benign (2). 1 of the submissions does not count toward it. Last evaluated 2025-11-28.

Conditions:
Oto-palato-digital syndrome, type II (OPD2). Also called: Otopalatodigital Syndrome, Type II; FACIOPALATOOSSEOUS SYNDROME; OPD II SYNDROME; Otopalatodigital Syndrome Type 2 (FLNA-OPD2). Identifiers: Orphanet 669, Orphanet 90652, MedGen C1844696, MONDO:0010571, OMIM 304120.
Frontometaphyseal dysplasia (FMD1). Identifiers: Orphanet 1826, MedGen C0265293, MONDO:0015942.
Heterotopia, periventricular, X-linked dominant (PVNH1). Also called: PERIVENTRICULAR NODULAR HETEROTOPIA 1; X-linked periventricular heterotopia; PERIVENTRICULAR NODULAR HETEROTOPIA 4; HETEROTOPIA, PERIVENTRICULAR, 1. Identifiers: Orphanet 2149, Orphanet 82004, MedGen C1848213, MONDO:0010233, OMIM 300049.
Melnick-Needles syndrome (MNS). Also called: MELNICK-NEEDLES OSTEODYSPLASTY; OSTEODYSPLASTY OF MELNICK AND NEEDLES; Melnick-Needles Syndrome (FLNA-MNS). Identifiers: Orphanet 2484, MedGen C0025237, MONDO:0010650, OMIM 309350.
FLNA-related disorder.
Familial thoracic aortic aneurysm and aortic dissection (TAAD). Also called: Thoracic aortic aneurysms and dissections. Identifiers: Orphanet 91387, MedGen C4707243, MONDO:0019625.

Allele frequency attached by ClinVar (database versions not stated): gnomAD 0.00003 and 0.00004; TOPMed 0.00004; ExAC 0.00013; gnomAD exomes 0.00019.

Submissions (5):

Labcorp Genetics (formerly Invitae), Labcorp
Classification: Benign for Oto-palato-digital syndrome, type II; Heterotopia, periventricular, X-linked dominant; Frontometaphyseal dysplasia; Melnick-Needles syndrome. Last evaluated: 2025-11-28. Review status: criteria provided, single submitter. Criteria: Invitae Variant Classification Sherloc (09022015). Collection method: clinical testing. Allele origin: germline.

Ambry Genetics
Classification: Likely benign for Familial thoracic aortic aneurysm and aortic dissection. Last evaluated: 2019-03-28. Review status: criteria provided, single submitter. Criteria: Ambry Variant Classification Scheme 2023. Collection method: clinical testing. Allele origin: germline.

GeneDx
Classification: Likely benign. Last evaluated: 2018-09-12. Review status: criteria provided, single submitter. Criteria: GeneDx Variant Classification Process June 2021. Collection method: clinical testing. Allele origin: germline. Affected: yes.

Genetic Services Laboratory, University of Chicago
Classification: Uncertain significance. Last evaluated: 2016-07-22. Review status: criteria provided, single submitter. Criteria: ACMG Guidelines, 2015. Collection method: clinical testing. Allele origin: germline. Affected: no.

PreventionGenetics, part of Exact Sciences
Classification: Likely benign for FLNA-related condition. Last evaluated: 2021-09-23. Review status: no assertion criteria provided. Collection method: clinical testing. Allele origin: germline. Not counted in ClinVar's aggregate classification.
Comment: This variant is classified as likely benign based on ACMG/AMP sequence variant interpretation guidelines (Richards et al. 2015 PMID: 25741868, with internal and published modifications).

NM_001110556.2(FLNA):c.1291G>C (p.Glu431Gln)

Gene: FLNA (filamin A; minus strand). Cytogenetic location: Xq28.
Variant type: single nucleotide variant.
Coding change: c.1291G>C on transcript NM_001110556.2 (MANE Select); coding-DNA position 1291, G replaced by C.
Protein change: p.Glu431Gln; replaces glutamic acid 431 with glutamine.
Molecular consequence: missense variant.
Genome position (GRCh38, 1-based): chrX:154,366,162, C>G on the plus strand (G>C on the coding strand, the complement: FLNA is on the minus strand). VCF-style: chrX-154366162-C-G. GRCh37 (hg19) VCF-style: chrX-153594530-C-G.
Other names: p.E431Q:GAG>CAG; c.1291G>C, p.Glu431Gln (NM_001456.4); c.1291G>C (NM_001110556.1); short protein forms E431Q.
Identifiers: ClinVar variation 213517 (VCV000213517.21), dbSNP rs781915319, ClinGen allele CA323321.
Genomic context (GRCh38, chrX:154,366,162, plus strand): 5'-CCATGGTGGGCTGGTAGCTGCAGCGGTATGTGCTGTCGCCCCGGGCCTCCAGCTGAGGCT[C>G]TACCGTGCCCTTCTGTCCCATGGGGTCCTGGATCACAACCTCGACCTCGCCCGTGCCAGC-3'
Protein context (NP_001104026.1, residues 421-441): QDPMGQKGTV[Glu431Gln]PQLEARGDST